The following is an entry in ClinVar:

NM_005592.4(MUSK):c.486+6T>G

Gene: MUSK (muscle associated receptor tyrosine kinase; plus strand). Cytogenetic location: 9q31.3.
Variant type: single nucleotide variant.
Coding change: c.486+6T>G on transcript NM_005592.4 (MANE Select); 6 bases into the intron after coding-DNA position 486, T replaced by G.
Molecular consequence: intron variant.
Genome position (GRCh38, 1-based): chr9:110,695,536, T>G. VCF-style: chr9-110695536-T-G. GRCh37 (hg19) VCF-style: chr9-113457816-T-G.
Other names: c.486+6T>G (NM_001166280.2, NM_001166281.2).
Identifiers: ClinVar variation 1359853 (VCV001359853.5), dbSNP rs763532251, ClinGen allele CA5184017.

ClinVar aggregate classification (germline): Uncertain significance (1 of 4 stars; one submission).

Conditions:
Congenital myasthenic syndrome 9. Also called: Myasthenic syndrome, congenital, 9, associated with acetylcholine receptor deficiency. Identifiers: Orphanet 590, MedGen C4225368, MONDO:0014587, OMIM 616325.
Fetal akinesia deformation sequence 1 (FADS1). Also called: Fetal akinesia sequence; Pena-Shokeir syndrome type I. Identifiers: Orphanet 994, MedGen C1276035, MONDO:0100101, OMIM 208150, HP:0001989.

Allele frequency attached by ClinVar (database versions not stated): gnomAD exomes below 0.00001 and 0.00001; TOPMed below 0.00001; ExAC 0.00003.
gnomAD v4.1: 2 of 1,544,162 alleles (0.00013%); highest among the groups gnomAD compares: Non-Finnish European, 0.00018%; no homozygotes.

Submission:

Labcorp Genetics (formerly Invitae), Labcorp
Classification: Uncertain significance for Congenital myasthenic syndrome 9; Fetal akinesia deformation sequence 1. Last evaluated: 2023-08-04. Review status: criteria provided, single submitter. Criteria: Invitae Variant Classification Sherloc (09022015). Collection method: clinical testing. Allele origin: germline.
Comment: ClinVar contains an entry for this variant (Variation ID: 1359853). This variant has not been reported in the literature in individuals affected with MUSK-related conditions. This variant is not present in population databases (gnomAD no frequency). This sequence change falls in intron 4 of the MUSK gene. It does not directly change the encoded amino acid sequence of the MUSK protein. It affects a nucleotide within the consensus splice site. Variants that disrupt the consensus splice site are a relatively common cause of aberrant splicing (PMID: 17576681, 9536098). Algorithms developed to predict the effect of sequence changes on RNA splicing suggest that this variant is not likely to affect RNA splicing. In summary, the available evidence is currently insufficient to determine the role of this variant in disease. Therefore, it has been classified as a Variant of Uncertain Significance.

Literature cited by the submitters: PubMed 17576681; PubMed 9536098.